The following is an entry in ClinVar:

NM_000284.4(PDHA1):c.1031A>G (p.Lys344Arg)

Gene: PDHA1 (pyruvate dehydrogenase E1 subunit alpha 1; plus strand). Cytogenetic location: Xp22.12.
Variant type: single nucleotide variant.
Coding change: c.1031A>G on transcript NM_000284.4 (MANE Select); coding-DNA position 1031, A replaced by G.
Protein change: p.Lys344Arg; replaces lysine 344 with arginine.
Molecular consequence: missense variant.
Genome position (GRCh38, 1-based): chrX:19,359,511, A>G. VCF-style: chrX-19359511-A-G. GRCh37 (hg19) VCF-style: chrX-19377629-A-G.
Other names: c.1145A>G, p.Lys382Arg (NM_001173454.2); c.1052A>G, p.Lys351Arg (NM_001173455.2); c.938A>G, p.Lys313Arg (NM_001173456.2); short protein forms K313R, K382R, K344R, K351R.
Identifiers: ClinVar variation 857516 (VCV000857516.8), dbSNP rs1244401639, ClinGen allele CA412396448.

ClinVar aggregate classification (germline): Uncertain significance. Review status: criteria provided, multiple submitters, no conflicts (2 of 4 stars). 3 submissions from 3 submitters: Uncertain significance (2). 1 of the submissions does not count toward it. Last evaluated 2023-11-27.

Conditions:
Pyruvate dehydrogenase complex deficiency (PDHC). Also called: Pyruvate dehydrogenase deficiency; Ataxia with lactic acidosis 1; PYRUVATE DECARBOXYLASE DEFICIENCY; Pyruvate Dehydrogenase Complex Deficiency Disease; PDH DEFICIENCY. Identifiers: Orphanet 765, Orphanet 79243, MedGen C0034345, MONDO:0019169.
Pyruvate dehydrogenase E1-alpha deficiency (PDHAD). Also called: ATAXIA, INTERMITTENT, WITH PYRUVATE DEHYDROGENASE DEFICIENCY; ATAXIA WITH LACTIC ACIDOSIS I; ATAXIA, INTERMITTENT, WITH ABNORMAL PYRUVATE METABOLISM; Ataxia, intermittent, with pyruvate dehydrogenase, or decarboxylase, deficiency. Identifiers: Orphanet 79243, MedGen C1839413, MONDO:0010717, OMIM 312170.

Allele frequency attached by ClinVar (database versions not stated): gnomAD exomes below 0.00001; TOPMed 0.00001.
gnomAD v4.1: 1 of 1,209,874 alleles (0.000083%); highest among the groups gnomAD compares: East Asian, 0.003%; no homozygotes.

Submissions (3):

GeneDx
Classification: Uncertain significance. Last evaluated: 2023-11-27. Review status: criteria provided, single submitter. Criteria: GeneDx Variant Classification Process June 2021. Collection method: clinical testing. Allele origin: germline. Affected: yes.
Comment: Not observed at significant frequency in large population cohorts (gnomAD); In silico analysis supports that this missense variant does not alter protein structure/function; Has not been previously published as pathogenic or benign to our knowledge

Labcorp Genetics (formerly Invitae), Labcorp
Classification: Uncertain significance for Pyruvate dehydrogenase E1-alpha deficiency. Last evaluated: 2021-08-28. Review status: criteria provided, single submitter. Criteria: Invitae Variant Classification Sherloc (09022015). Collection method: clinical testing. Allele origin: germline.
Comment: This sequence change replaces lysine with arginine at codon 344 of the PDHA1 protein (p.Lys344Arg). The lysine residue is highly conserved and there is a small physicochemical difference between lysine and arginine. This variant is not present in population databases (ExAC no frequency). This variant has not been reported in the literature in individuals affected with PDHA1-related conditions. Algorithms developed to predict the effect of missense changes on protein structure and function are either unavailable or do not agree on the potential impact of this missense change (SIFT: "Deleterious"; PolyPhen-2: "Benign"; Align-GVGD: "Class C0"). In summary, the available evidence is currently insufficient to determine the role of this variant in disease. Therefore, it has been classified as a Variant of Uncertain Significance.

Natera, Inc.
Classification: Uncertain significance for Pyruvate decarboxylase deficiency. Last evaluated: 2020-09-16. Review status: no assertion criteria provided. Collection method: clinical testing. Allele origin: germline. Not counted in ClinVar's aggregate classification.